The following is an entry in ClinVar:

NM_001347721.2(DYRK1A):c.1357_1358insTC (p.Tyr453fs)

Gene: DYRK1A (dual specificity tyrosine phosphorylation regulated kinase 1A; plus strand). Cytogenetic location: 21q22.13.
Variant type: Insertion.
Coding change: c.1357_1358insTC on transcript NM_001347721.2 (MANE Select); coding-DNA positions 1357 to 1358, TC inserted.
Protein change: p.Tyr453fs; shifts the reading frame from tyrosine 453.
Molecular consequence: frameshift variant.
Genome position: GRCh38 VCF-style: chr21-37505427-T-TTC. GRCh37 (hg19) VCF-style: chr21-38877730-T-TTC.
Other names: c.1384_1385insTC, p.Tyr462fs (NM_001396.5, NM_101395.2, NM_130438.2); c.1357_1358insTC, p.Tyr453fs (NM_130436.2, NM_001347722.2); c.1270_1271insTC, p.Tyr424fs (NM_001347723.2); short protein forms Y424fs, Y453fs, Y462fs.
Identifiers: ClinVar variation 931056 (VCV000931056.3), dbSNP rs2053566582, ClinGen allele CA1139666863.

ClinVar aggregate classification (germline): Pathogenic (1 of 4 stars; one submission).

Conditions:
DYRK1A-related intellectual disability syndrome (MRD7). Also called: Intellectual developmental disorder, autosomal dominant 7; DYRK1A Syndrome. Identifiers: Orphanet 464306, MedGen C5568143, MONDO:0013578, OMIM 614104.

Submission:

Centre for Mendelian Genomics, University Medical Centre Ljubljana
Classification: Pathogenic for DYRK1A-related intellectual disability syndrome. Last evaluated: 2019-01-08. Review status: criteria provided, single submitter. Criteria: ACMG Guidelines, 2015. Collection method: clinical testing. Allele origin: unknown. Affected: yes.
Comment: This variant was classified as: Pathogenic. The following ACMG criteria were applied in classifying this variant: PVS1,PM2,PP3.